The following is an entry in ClinVar:

ClinVar aggregate classification (germline): Uncertain significance. Review status: criteria provided, multiple submitters, no conflicts (2 of 4 stars). 2 submissions from 2 submitters: Uncertain significance (2). Last evaluated 2025-05-03.

Conditions:
NRP2-related disorder. Also called: NRP2-related condition.

gnomAD v4.1: 4 of 1,614,124 alleles (0.00025%); highest among the groups gnomAD compares: African/African-American, 0.0013%; no homozygotes.

Submissions (2):

Ambry Genetics
Classification: Uncertain significance. Last evaluated: 2025-05-03. Review status: criteria provided, single submitter. Criteria: Ambry Variant Classification Scheme 2023. Collection method: clinical testing. Allele origin: germline.

PreventionGenetics, part of Exact Sciences
Classification: Uncertain significance for NRP2-related condition. Last evaluated: 2024-11-15. Review status: criteria provided, single submitter. Criteria: ACMG Guidelines, 2015. Collection method: clinical testing. Allele origin: germline.
Comment: The NRP2 c.1252A>G variant is predicted to result in the amino acid substitution p.Ile418Val. To our knowledge, this variant has not been reported in the literature. This variant is reported in 0.011% of alleles in individuals of African descent in gnomAD. At this time, the clinical significance of this variant is uncertain due to the absence of conclusive functional and genetic evidence.

NM_003872.3(NRP2):c.1252A>G (p.Ile418Val)

Gene: NRP2 (neuropilin 2; plus strand). Cytogenetic location: 2q33.3.
Variant type: single nucleotide variant.
Coding change: c.1252A>G on transcript NM_003872.3 (MANE Select); coding-DNA position 1252, A replaced by G.
Protein change: p.Ile418Val; replaces isoleucine 418 with valine.
Molecular consequence: missense variant.
Genome position (GRCh38, 1-based): chr2:205,740,624, A>G. VCF-style: chr2-205740624-A-G. GRCh37 (hg19) VCF-style: chr2-206605348-A-G.
Other names: c.1252A>G, p.Ile418Val (NM_018534.4, NM_201264.2, NM_201266.2 and 2 more transcripts); short protein forms I418V.
Identifiers: ClinVar variation 3348081 (VCV003348081.3).